The following is an entry in ClinVar:

NM_020975.6(RET):c.1546C>A (p.Pro516Thr)

Gene: RET (ret proto-oncogene; plus strand). Cytogenetic location: 10q11.21.
Variant type: single nucleotide variant.
Coding change: c.1546C>A on transcript NM_020975.6 (MANE Select); coding-DNA position 1546, C replaced by A.
Protein change: p.Pro516Thr; replaces proline 516 with threonine.
Molecular consequence: missense variant.
Genome position (GRCh38, 1-based): chr10:43,112,122, C>A. VCF-style: chr10-43112122-C-A. GRCh37 (hg19) VCF-style: chr10-43607570-C-A.
Other names: c.1546C>A, p.Pro516Thr (NM_000323.2, NM_001406743.1, NM_001406744.1 and 6 more transcripts); c.784C>A, p.Pro262Thr (NM_001355216.2); c.1417C>A, p.Pro473Thr (NM_001406761.1, NM_001406762.1, NM_001406764.1 and 1 more transcripts); c.1258C>A, p.Pro420Thr (NM_001406766.1, NM_001406767.1, NM_001406770.1); c.1150C>A, p.Pro384Thr (NM_001406769.1, NM_001406772.1); c.1108C>A, p.Pro370Thr (NM_001406771.1, NM_001406773.1); c.1021C>A, p.Pro341Thr (NM_001406774.1); c.820C>A, p.Pro274Thr (NM_001406775.1, NM_001406776.1, NM_001406777.1 and 1 more transcripts); and 5 more; short protein forms P262T, P516T, P186T, P217T, P33T, P341T, P384T, P121T.
Identifiers: ClinVar variation 651958 (VCV000651958.9), dbSNP rs1588872077, ClinGen allele CA376550284.

ClinVar aggregate classification (germline): Uncertain significance (1 of 4 stars; one submission).

Conditions:
Multiple endocrine neoplasia, type 2 (MEN2). Identifiers: Orphanet 653, MedGen C4048306, MONDO:0019003. Disease mechanism: gain of function.

Submission:

Labcorp Genetics (formerly Invitae), Labcorp
Classification: Uncertain significance for Multiple endocrine neoplasia, type 2. Last evaluated: 2018-08-15. Review status: criteria provided, single submitter. Criteria: Invitae Variant Classification Sherloc (09022015). Collection method: clinical testing. Allele origin: germline.
Comment: Algorithms developed to predict the effect of missense changes on protein structure and function are either unavailable or do not agree on the potential impact of this missense change (SIFT: "Deleterious"; PolyPhen-2: "Probably Damaging"; Align-GVGD: "Class C0"). This sequence change replaces proline with threonine at codon 516 of the RET protein (p.Pro516Thr). The proline residue is highly conserved and there is a small physicochemical difference between proline and threonine. This variant is not present in population databases (ExAC no frequency). This variant has not been reported in the literature in individuals with RET-related disease. In summary, the available evidence is currently insufficient to determine the role of this variant in disease. Therefore, it has been classified as a Variant of Uncertain Significance.